The following is an entry in ClinVar:

ClinVar aggregate classification (germline): Likely benign. Review status: criteria provided, multiple submitters, no conflicts (2 of 4 stars). 3 submissions from 3 submitters: Likely benign (2). 1 of the submissions does not count toward it. Last evaluated 2025-03-18.

Conditions:
BRAT1-related disorder. Also called: BRAT1-related condition; BRAT1-related disorders.
Neonatal-onset encephalopathy with rigidity and seizures. Also called: Lethal neonatal spasticity-epileptic encephalopathy syndrome. Identifiers: Orphanet 435845, MedGen C3281029, MONDO:0013784, OMIM 614498.

Allele frequency attached by ClinVar (database versions not stated): ExAC 0.00001; gnomAD 0.00001; gnomAD exomes 0.00001; TOPMed 0.00001.
gnomAD v4.1: 21 of 1,611,312 alleles (0.0013%); highest among the groups gnomAD compares: South Asian, 0.0022%; no homozygotes.

Submissions (3):

Labcorp Genetics (formerly Invitae), Labcorp
Classification: Likely benign for Neonatal-onset encephalopathy with rigidity and seizures. Last evaluated: 2025-03-18. Review status: criteria provided, single submitter. Criteria: Invitae Variant Classification Sherloc (09022015). Collection method: clinical testing. Allele origin: germline.

Blueprint Genetics
Classification: Likely benign. Last evaluated: 2023-07-14. Review status: criteria provided, single submitter. Criteria: ACMG Guidelines, 2015. Collection method: clinical testing. Allele origin: germline.

PreventionGenetics, part of Exact Sciences
Classification: Likely benign for BRAT1-related condition. Last evaluated: 2019-06-25. Review status: no assertion criteria provided. Collection method: clinical testing. Allele origin: germline. Not counted in ClinVar's aggregate classification.
Comment: This variant is classified as likely benign based on ACMG/AMP sequence variant interpretation guidelines (Richards et al. 2015 PMID: 25741868, with internal and published modifications).

NM_152743.4(BRAT1):c.1704C>T (p.Ala568=)

Gene: BRAT1 (BRCA1 associated ATM activator 1; minus strand). Cytogenetic location: 7p22.3.
Variant type: single nucleotide variant.
Coding change: c.1704C>T on transcript NM_152743.4 (MANE Select); coding-DNA position 1704, C replaced by T.
Protein change: p.Ala568=; no amino-acid change (alanine 568 retained).
Molecular consequence: synonymous variant. On other transcripts: non-coding transcript variant (1).
Genome position (GRCh38, 1-based): chr7:2,539,245, G>A on the plus strand (C>T on the coding strand, the complement: BRAT1 is on the minus strand). VCF-style: chr7-2539245-G-A. GRCh37 (hg19) VCF-style: chr7-2578879-G-A.
Other names: c.1704C>T, p.Ala568= (NM_001350626.2); c.1179C>T, p.Ala393= (NM_001350627.2); c.1704C>T (NM_152743.3).
Identifiers: ClinVar variation 1123888 (VCV001123888.12), dbSNP rs756368991, ClinGen allele CA4127621.
Genomic context (GRCh38, chr7:2,539,245, plus strand): 5'-GGCCTCTGCATGCTCAGGGCTGGTGGGGGCGTGCAGGCCCTGGCTGGACAGCTGCCCCAT[G>A]GCGGTCACTGCACTCGCTCGGACATAACTCTCAGGGTCCTGGAGGAGCTGCAGGGCCAGC-3'
Protein context (NP_689956.2, residues 558-578): ESYVRASAVT[Ala568=]MGQLSSQGLH